The following is an entry in ClinVar:

NM_002439.5(MSH3):c.1837A>G (p.Asn613Asp)

Gene: MSH3 (mutS homolog 3; plus strand). Cytogenetic location: 5q14.1.
Variant type: single nucleotide variant.
Coding change: c.1837A>G on transcript NM_002439.5 (MANE Select); coding-DNA position 1837, A replaced by G.
Protein change: p.Asn613Asp; replaces asparagine 613 with aspartic acid.
Molecular consequence: missense variant.
Genome position (GRCh38, 1-based): chr5:80,761,619, A>G. VCF-style: chr5-80761619-A-G. GRCh37 (hg19) VCF-style: chr5-80057438-A-G.
Other names: short protein forms N613D.
Identifiers: ClinVar variation 3913614 (VCV003913614.1).
Genomic context (GRCh38, chr5:80,761,619, plus strand): 5'-CGGCTTGATGCTGTATCGGAAGTTCTCCATTCAGAATCTAGTGTGTTTGGTCAGATAGAA[A>G]ATCATCTACGTAAATTGCCCGACATAGAGAGGGGACTCTGTAGCATTTATCACAAAAAAG-3'
Protein context (NP_002430.3, residues 603-623): SESSVFGQIE[Asn613Asp]HLRKLPDIER

ClinVar aggregate classification (germline): Uncertain significance (1 of 4 stars; one submission).

Conditions:
Hereditary cancer-predisposing syndrome. Also called: Hereditary Cancer Syndrome; Hereditary neoplastic syndrome; Neoplastic Syndromes, Hereditary; Tumor predisposition. Identifiers: Orphanet 140162, MedGen C0027672, MeSH D009386, MONDO:0015356.

Submission:

Ambry Genetics
Classification: Uncertain significance for Hereditary cancer-predisposing syndrome. Last evaluated: 2025-04-01. Review status: criteria provided, single submitter. Criteria: Ambry Variant Classification Scheme 2023. Collection method: clinical testing. Allele origin: germline.
Comment: The p.N613D variant (also known as c.1837A>G), located in coding exon 13 of the MSH3 gene, results from an A to G substitution at nucleotide position 1837. The asparagine at codon 613 is replaced by aspartic acid, an amino acid with highly similar properties. This amino acid position is conserved. In addition, this alteration is predicted to be tolerated by in silico analysis. Based on the available evidence, the clinical significance of this variant remains unclear.